The following is an entry in ClinVar:

NM_022041.3(GAN):c.-323G>T

Gene: GAN (gigaxonin; plus strand). Cytogenetic location: 16q23.2.
Variant type: single nucleotide variant.
Coding change: c.-323G>T on transcript NM_022041.3; 323 bases upstream of the start codon, G replaced by T.
Genome position (GRCh38, 1-based): chr16:81,314,791, G>T. VCF-style: chr16-81314791-G-T. GRCh37 (hg19) VCF-style: chr16-81348396-G-T.
Identifiers: ClinVar variation 682664 (VCV000682664.3), dbSNP rs12599564, ClinGen allele CA14253657.
Genomic context (GRCh38, chr16:81,314,791, plus strand): 5'-CACGGAATCCTAGCCCGCCCGCACATCCCTCCATCGCGGGAGCGACCTATCTCATCCGTA[G>T]ACACCTTCCGCTGCACCCAGCCGCAGCTGGTCAGGCGGGCGGAGGAAGGAGGCTTCTGAT-3'

ClinVar aggregate classification (germline): Benign (1 of 4 stars; one submission).

Allele frequency attached by ClinVar (database versions not stated): 1000 Genomes Project 30x 0.90100; 1000 Genomes Project 0.90156; gnomAD 0.90566 and 0.90188; TOPMed 0.90855.

Submission:

GeneDx
Classification: Benign. Last evaluated: 2018-06-19. Review status: criteria provided, single submitter. Criteria: GeneDx Variant Classification (06012015). Collection method: clinical testing. Allele origin: germline. Affected: yes.
Comment: This variant is considered likely benign or benign based on one or more of the following criteria: it is a conservative change, it occurs at a poorly conserved position in the protein, it is predicted to be benign by multiple in silico algorithms, and/or has population frequency not consistent with disease.